The following is an entry in ClinVar:

ClinVar aggregate classification (germline): Uncertain significance (1 of 4 stars; one submission).

Allele frequency attached by ClinVar (database versions not stated): gnomAD exomes below 0.00001; ExAC 0.00001; TOPMed 0.00001.
gnomAD v4.1: 7 of 1,614,112 alleles (0.00043%); highest among the groups gnomAD compares: Admixed American, 0.0033%; no homozygotes.

Submission:

Labcorp Genetics (formerly Invitae), Labcorp
Classification: Uncertain significance. Last evaluated: 2023-02-06. Review status: criteria provided, single submitter. Criteria: Invitae Variant Classification Sherloc (09022015). Collection method: clinical testing. Allele origin: germline.
Comment: This sequence change replaces arginine, which is basic and polar, with tryptophan, which is neutral and slightly polar, at codon 1133 of the SNRNP200 protein (p.Arg1133Trp). This variant is present in population databases (rs778208062, gnomAD 0.003%). This variant has not been reported in the literature in individuals affected with SNRNP200-related conditions. Advanced modeling of protein sequence and biophysical properties (such as structural, functional, and spatial information, amino acid conservation, physicochemical variation, residue mobility, and thermodynamic stability) performed at Invitae indicates that this missense variant is expected to disrupt SNRNP200 protein function. In summary, the available evidence is currently insufficient to determine the role of this variant in disease. Therefore, it has been classified as a Variant of Uncertain Significance.

NM_014014.5(SNRNP200):c.3397C>T (p.Arg1133Trp)

Gene: SNRNP200 (small nuclear ribonucleoprotein U5 subunit 200; minus strand). Cytogenetic location: 2q11.2.
Variant type: single nucleotide variant.
Coding change: c.3397C>T on transcript NM_014014.5 (MANE Select); coding-DNA position 3397, C replaced by T.
Protein change: p.Arg1133Trp; replaces arginine 1133 with tryptophan.
Molecular consequence: missense variant.
Genome position (GRCh38, 1-based): chr2:96,287,526, G>A on the plus strand (C>T on the coding strand, the complement: SNRNP200 is on the minus strand). VCF-style: chr2-96287526-G-A. GRCh37 (hg19) VCF-style: chr2-96953264-G-A.
Other names: short protein forms R1133W.
Identifiers: ClinVar variation 2975383 (VCV002975383.3), dbSNP rs778208062, ClinGen allele CA1778460.